The following is an entry in ClinVar:

ClinVar aggregate classification (germline): Uncertain significance (1 of 4 stars; one submission).

Conditions:
NRP2-related disorder. Also called: NRP2-related condition.

Submission:

PreventionGenetics, part of Exact Sciences
Classification: Uncertain significance for NRP2-related condition. Last evaluated: 2026-04-08. Review status: criteria provided, single submitter. Criteria: ACMG Guidelines, 2015. Collection method: clinical testing. Allele origin: germline.
Comment: The NRP2 c.1825_1826delAA variant is predicted to result in a frameshift and premature protein termination (p.Lys609Glufs*24). To our knowledge, this variant has not been reported in the literature or in a large population database (gnomAD), indicating this variant is rare. Loss of function is not an established mechanism of NRP2-related disease. At this time, the clinical significance of this variant is uncertain due to the absence of conclusive functional and genetic evidence.

NM_003872.3(NRP2):c.1825_1826del (p.Lys609fs)

Gene: NRP2 (neuropilin 2; plus strand). Cytogenetic location: 2q33.3.
Variant type: Deletion.
Coding change: c.1825_1826del on transcript NM_003872.3 (MANE Select); coding-DNA positions 1825 to 1826, 2 bases deleted (AA; older notation c.1825_1826delAA).
Protein change: p.Lys609fs; shifts the reading frame from lysine 609.
Molecular consequence: frameshift variant.
Genome position (GRCh38, 1-based): chr2:205,749,763-205,749,764, AA deleted. VCF-style (leftmost placement, unchanged base first): chr2-205749762-GAA-G. GRCh37 (hg19) VCF-style: chr2-206614486-GAA-G.
Other names: c.1825_1826del, p.Lys609fs (NM_018534.4, NM_201266.2, NM_201267.2 and 1 more transcripts); short protein forms K609fs.
Identifiers: ClinVar variation 4995185 (VCV004995185.1).